The following is an entry in ClinVar:

NM_001365088.1(SLC12A6):c.3113_3114del (p.Thr1038fs)

Gene: SLC12A6 (solute carrier family 12 member 6; minus strand). Cytogenetic location: 15q14.
Variant type: Deletion.
Coding change: c.3113_3114del on transcript NM_001365088.1 (MANE Select); coding-DNA positions 3113 to 3114, 2 bases deleted (CA; older notation c.3113_3114delCA).
Protein change: p.Thr1038fs; shifts the reading frame from threonine 1038.
Molecular consequence: frameshift variant.
Genome position (GRCh38, 1-based): chr15:34,236,128-34,236,129, TG deleted on the plus strand (CA on the coding strand, the reverse complement: SLC12A6 is on the minus strand); deleting any 2 consecutive bases within chr15:34,236,128-34,236,130 gives the same sequence; the c. name uses the placement nearest the transcript's 3' end. VCF-style (leftmost placement, unchanged base first): chr15-34236127-CTG-C. GRCh37 (hg19) VCF-style: chr15-34528328-CTG-C.
Other names: c.2936_2937del, p.Thr979fs (NM_001042494.2, NM_001042495.2); c.3086_3087del, p.Thr1029fs (NM_001042496.2); c.3068_3069del, p.Thr1023fs (NM_001042497.2); c.2960_2961del, p.Thr987fs (NM_005135.2); c.3113_3114del, p.Thr1038fs (NM_133647.2); short protein forms T1029fs, T1038fs, T1023fs, T979fs, T987fs.
Identifiers: ClinVar variation 2789749 (VCV002789749.3), dbSNP rs2509743422, ClinGen allele CA2739278209.
Genomic context (GRCh38, chr15:34,236,127, plus strand): 5'-CCCGGGATGCCATGTACTTGTCTTTTGTCCAAGTCATGTGCACCTTCTCCTGATAGGTTT[CTG>C]TCTCTTCGTCCTCATCAGAGCCAATGCTGGTCAATCGTAGCATTGAGTTTCGGTCTTTCA-3'

ClinVar aggregate classification (germline): Pathogenic (1 of 4 stars; one submission).

Submission:

Labcorp Genetics (formerly Invitae), Labcorp
Classification: Pathogenic. Last evaluated: 2023-01-22. Review status: criteria provided, single submitter. Criteria: Invitae Variant Classification Sherloc (09022015). Collection method: clinical testing. Allele origin: germline.
Comment: For these reasons, this variant has been classified as Pathogenic. This variant has not been reported in the literature in individuals affected with SLC12A6-related conditions. This variant is not present in population databases (gnomAD no frequency). This sequence change creates a premature translational stop signal (p.Thr1038Argfs*35) in the SLC12A6 gene. It is expected to result in an absent or disrupted protein product. Loss-of-function variants in SLC12A6 are known to be pathogenic (PMID: 12368912, 16606917).

Literature cited by the submitters: PubMed 12368912; PubMed 16606917.